The following is an entry in ClinVar:

ClinVar aggregate classification (germline): Likely pathogenic (1 of 4 stars; one submission).

Submission:

Labcorp Genetics (formerly Invitae), Labcorp
Classification: Likely pathogenic. Last evaluated: 2024-01-31. Review status: criteria provided, single submitter. Criteria: Invitae Variant Classification Sherloc (09022015). Collection method: clinical testing. Allele origin: germline.
Comment: This sequence change replaces serine, which is neutral and polar, with asparagine, which is neutral and polar, at codon 901 of the ABCB11 protein (p.Ser901Asn). This variant is not present in population databases (gnomAD no frequency). This variant has not been reported in the literature in individuals affected with ABCB11-related conditions. Advanced modeling of protein sequence and biophysical properties (such as structural, functional, and spatial information, amino acid conservation, physicochemical variation, residue mobility, and thermodynamic stability) performed at Invitae indicates that this missense variant is expected to disrupt ABCB11 protein function with a positive predictive value of 95%. This variant disrupts the p.Ser901 amino acid residue in ABCB11. Other variant(s) that disrupt this residue have been determined to be pathogenic (PMID: 21219577, 28733223). This suggests that this residue is clinically significant, and that variants that disrupt this residue are likely to be disease-causing. In summary, the currently available evidence indicates that the variant is pathogenic, but additional data are needed to prove that conclusively. Therefore, this variant has been classified as Likely Pathogenic.

Literature cited by the submitters: PubMed 21219577; PubMed 28733223.

NM_003742.4(ABCB11):c.2702G>A (p.Ser901Asn)

Genes: ABCB11 (ATP binding cassette subfamily B member 11; minus strand), LOC126806400 (CDK7 strongly-dependent group 2 enhancer GRCh37_chr2:169791870-169793069; plus strand). Cytogenetic location: 2q31.1.
Variant type: single nucleotide variant.
Coding change: c.2702G>A on transcript NM_003742.4 (MANE Select); coding-DNA position 2702, G replaced by A.
Protein change: p.Ser901Asn; replaces serine 901 with asparagine.
Molecular consequence: missense variant.
Genome position (GRCh38, 1-based): chr2:168,936,342, C>T on the plus strand (G>A on the coding strand, the complement: ABCB11 is on the minus strand). VCF-style: chr2-168936342-C-T. GRCh37 (hg19) VCF-style: chr2-169792852-C-T.
Other names: short protein forms S901N.
Identifiers: ClinVar variation 3670593 (VCV003670593.2).